The following is an entry in ClinVar:

ClinVar aggregate classification (germline): Uncertain significance (1 of 4 stars; one submission).

Conditions:
Hereditary cancer-predisposing syndrome. Also called: Hereditary Cancer Syndrome; Tumor predisposition; Hereditary neoplastic syndrome; Neoplastic Syndromes, Hereditary. Identifiers: Orphanet 140162, MedGen C0027672, MeSH D009386, MONDO:0015356.

Submission:

Ambry Genetics
Classification: Uncertain significance for Hereditary cancer-predisposing syndrome. Last evaluated: 2024-10-21. Review status: criteria provided, single submitter. Criteria: Ambry Variant Classification Scheme 2023. Collection method: clinical testing. Allele origin: germline.
Comment: The p.A119S variant (also known as c.355G>T), located in coding exon 1 of the MET gene, results from a G to T substitution at nucleotide position 355. The alanine at codon 119 is replaced by serine, an amino acid with similar properties. This amino acid position is conserved. In addition, this alteration is predicted to be tolerated by in silico analysis. Based on the available evidence, the clinical significance of this variant remains unclear.

NM_000245.4(MET):c.355G>T (p.Ala119Ser)

Gene: MET (MET proto-oncogene, receptor tyrosine kinase; plus strand). Cytogenetic location: 7q31.2.
Variant type: single nucleotide variant.
Coding change: c.355G>T on transcript NM_000245.4 (MANE Select); coding-DNA position 355, G replaced by T.
Protein change: p.Ala119Ser; replaces alanine 119 with serine.
Molecular consequence: missense variant. On other transcripts: intron variant (1).
Genome position (GRCh38, 1-based): chr7:116,699,439, G>T. VCF-style: chr7-116699439-G-T. GRCh37 (hg19) VCF-style: chr7-116339493-G-T.
Other names: c.355G>T, p.Ala119Ser (NM_001127500.3, NM_001324401.3); c.-91+26862G>T (NM_001324402.2); short protein forms A119S.
Identifiers: ClinVar variation 3395178 (VCV003395178.1).
Genomic context (GRCh38, chr7:116,699,439, plus strand): 5'-CAGGACTGCAGCAGCAAAGCCAATTTATCAGGAGGTGTTTGGAAAGATAACATCAACATG[G>T]CTCTAGTTGTCGACACCTACTATGATGATCAACTCATTAGCTGTGGCAGCGTCAACAGAG-3'
Protein context (NP_000236.2, residues 109-129): GGVWKDNINM[Ala119Ser]LVVDTYYDDQ